The following is an entry in ClinVar:

NM_004168.4(SDHA):c.1216G>C (p.Val406Leu)

Gene: SDHA (succinate dehydrogenase complex flavoprotein subunit A; plus strand). Cytogenetic location: 5p15.33.
Variant type: single nucleotide variant.
Coding change: c.1216G>C on transcript NM_004168.4 (MANE Select); coding-DNA position 1216, G replaced by C.
Protein change: p.Val406Leu; replaces valine 406 with leucine.
Molecular consequence: missense variant.
Genome position (GRCh38, 1-based): chr5:235,295, G>C. VCF-style: chr5-235295-G-C. GRCh37 (hg19) VCF-style: chr5-235410-G-C.
Other names: c.1072G>C, p.Val358Leu (NM_001294332.2); c.1216G>C, p.Val406Leu (NM_001330758.2); short protein forms V358L, V406L.
Identifiers: ClinVar variation 4789758 (VCV004789758.1).

ClinVar aggregate classification (germline): Uncertain significance (1 of 4 stars; one submission).

Conditions:
Mitochondrial complex II deficiency, nuclear type 1. Also called: SUCCINATE CoQ REDUCTASE DEFICIENCY. Identifiers: Orphanet 3208, MedGen C5700310, MONDO:0100294, OMIM 252011.
Pheochromocytoma/paraganglioma syndrome 5. Also called: Paragangliomas 5; SDHA-Related Hereditary Paraganglioma-Pheochromocytoma Syndrome. Identifiers: Orphanet 29072, MedGen C3279992, MONDO:0013602, OMIM 614165.

Submission:

Labcorp Genetics (formerly Invitae), Labcorp
Classification: Uncertain significance for Pheochromocytoma/paraganglioma syndrome 5; Mitochondrial complex II deficiency, nuclear type 1. Last evaluated: 2025-10-01. Review status: criteria provided, single submitter. Criteria: Invitae Variant Classification Sherloc (09022015). Collection method: clinical testing. Allele origin: germline.
Comment: This sequence change replaces valine, which is neutral and non-polar, with leucine, which is neutral and non-polar, at codon 406 of the SDHA protein (p.Val406Leu). This variant is not present in population databases (gnomAD no frequency). This variant has not been reported in the literature in individuals affected with SDHA-related conditions. Invitae Evidence Modeling of protein sequence and biophysical properties (such as structural, functional, and spatial information, amino acid conservation, physicochemical variation, residue mobility, and thermodynamic stability) has been performed for this missense variant. However, the output from this modeling did not meet the statistical confidence thresholds required to predict the impact of this variant on SDHA protein function. In summary, the available evidence is currently insufficient to determine the role of this variant in disease. Therefore, it has been classified as a Variant of Uncertain Significance.